The following is an entry in ClinVar:

NM_139343.3(BIN1):c.1472del (p.Pro491fs)

Gene: BIN1 (bridging integrator 1; minus strand). Cytogenetic location: 2q14.3.
Variant type: Deletion.
Coding change: c.1472del on transcript NM_139343.3 (MANE Select); coding-DNA position 1472, one base deleted (C; older notation c.1472delC).
Protein change: p.Pro491fs; shifts the reading frame from proline 491.
Molecular consequence: frameshift variant.
Genome position (GRCh38, 1-based): chr2:127,050,902, G deleted on the plus strand (C on the coding strand, the reverse complement: BIN1 is on the minus strand); the first of 2 consecutive G bases (chr2:127,050,902-127,050,903); deleting either gives the same sequence. VCF-style (leftmost placement, unchanged base first): chr2-127050901-AG-A. GRCh37 (hg19) VCF-style: chr2-127808477-AG-A.
Other names: c.965del, p.Pro322fs (NM_001320632.2); c.1103del, p.Pro368fs (NM_001320633.2); c.848del, p.Pro283fs (NM_001320634.1); c.1232del, p.Pro411fs (NM_001320640.2); c.1379del, p.Pro460fs (NM_001320641.2); c.1391del, p.Pro464fs (NM_001320642.1); c.1055del, p.Pro352fs (NM_004305.4); c.1343del, p.Pro448fs (NM_139344.3); and 7 more; short protein forms P283fs, P307fs, P322fs, P337fs, P352fs, P368fs, P373fs, P380fs.
Identifiers: ClinVar variation 999523 (VCV000999523.9), dbSNP rs1682848303, ClinGen allele CA1286711837.

ClinVar aggregate classification (germline): Uncertain significance. Review status: criteria provided, multiple submitters, no conflicts (2 of 4 stars). 2 submissions from 2 submitters: Uncertain significance (2). Last evaluated 2022-07-19.

Conditions:
Myopathy, centronuclear, 2 (CNM2). Also called: MYOTUBULAR MYOPATHY, AUTOSOMAL RECESSIVE. Identifiers: Orphanet 169186, MedGen CN031787, MONDO:0009709, OMIM 255200.

Submissions (2):

Labcorp Genetics (formerly Invitae), Labcorp
Classification: Uncertain significance for Myopathy, centronuclear, 2. Last evaluated: 2022-07-19. Review status: criteria provided, single submitter. Criteria: Invitae Variant Classification Sherloc (09022015). Collection method: clinical testing. Allele origin: germline.
Comment: In summary, the available evidence is currently insufficient to determine the role of this variant in disease. Therefore, it has been classified as a Variant of Uncertain Significance. ClinVar contains an entry for this variant (Variation ID: 999523). This variant has not been reported in the literature in individuals affected with BIN1-related conditions. This variant is not present in population databases (gnomAD no frequency). This sequence change creates a premature translational stop signal (p.Pro491Leufs*12) in the BIN1 gene. It is expected to result in an absent or disrupted protein product. However, the current clinical and genetic evidence is not sufficient to establish whether loss-of-function variants in BIN1 cause disease.

Blueprint Genetics
Classification: Uncertain significance. Last evaluated: 2020-11-26. Review status: criteria provided, single submitter. Criteria: ACMG Guidelines, 2015. Collection method: clinical testing. Allele origin: germline.